The following is an entry in ClinVar:

NM_000138.5(FBN1):c.3977G>A (p.Cys1326Tyr)

Gene: FBN1 (fibrillin 1; minus strand). Cytogenetic location: 15q21.1.
Variant type: single nucleotide variant.
Coding change: c.3977G>A on transcript NM_000138.5 (MANE Select); coding-DNA position 3977, G replaced by A.
Protein change: p.Cys1326Tyr; replaces cysteine 1326 with tyrosine.
Molecular consequence: missense variant.
Genome position (GRCh38, 1-based): chr15:48,474,638, C>T on the plus strand (G>A on the coding strand, the complement: FBN1 is on the minus strand). VCF-style: chr15-48474638-C-T. GRCh37 (hg19) VCF-style: chr15-48766835-C-T.
Other names: short protein forms C1326Y.
Identifiers: ClinVar variation 432123 (VCV000432123.12), dbSNP rs1555397738, ClinGen allele CA392320642.
Genomic context (GRCh38, chr15:48,474,638, plus strand): 5'-AAGCTTCCTGCTGTATTGGTACATACAGCATGTTTGCCACAGTTGTGTGCTCCAATTTCA[C>T]ATTCATTGATGTCTGGAAAAATGAGCAGTGATTTAGAAAAAGGCTCAGCACAAATGTCTT-3'
Protein context (NP_000129.3, residues 1316-1336): GKTGCTDINE[Cys1326Tyr]EIGAHNCGKH

ClinVar aggregate classification (germline): Pathogenic/Likely pathogenic. Review status: criteria provided, multiple submitters, no conflicts (2 of 4 stars). 3 submissions from 3 submitters: Pathogenic (1); Likely pathogenic (1). 1 of the submissions does not count toward it. Last evaluated 2019-01-14.

Conditions:
Marfan syndrome (MFS). Also called: MARFAN SYNDROME, TYPE I; FBN1-Related Marfan Syndrome; Marfan syndrome type 1; Marfan's syndrome; Marfan syndrome, classic. Identifiers: Orphanet 284963, Orphanet 558, MedGen C0024796, MONDO:0007947, OMIM 154700.
Familial thoracic aortic aneurysm and aortic dissection (TAAD). Also called: Thoracic aortic aneurysms and dissections. Identifiers: Orphanet 91387, MedGen C4707243, MONDO:0019625.

Submissions (3):

Labcorp Genetics (formerly Invitae), Labcorp
Classification: Pathogenic for Marfan syndrome; Familial thoracic aortic aneurysm and aortic dissection. Last evaluated: 2019-01-14. Review status: criteria provided, single submitter. Criteria: Invitae Variant Classification Sherloc (09022015). Collection method: clinical testing. Allele origin: germline.
Comment: For these reasons, this variant has been classified as Pathogenic. This variant disrupts the p.Cys1326 amino acid residue in FBN1. Other variant(s) that disrupt this residue have been observed in affected individuals (PMID: 10486319, 29357934), which suggests that this may be a clinically significant amino acid residue. This variant affects a cysteine residue in the EGF-like, TGFBP or hybrid motif domains of FBN1. Cysteine residues are believed to be involved in intramolecular disulfide bridges and have been shown to be important for FBN1 protein structure (PMID: 16905551, 19349279). In addition, missense substitutions affecting cysteine residues within these domains are significantly overrepresented among patients with Marfan syndrome (PMID: 16571647, 17701892). ClinVar contains an entry for this variant (Variation ID: 432123). This variant is not present in population databases (ExAC no frequency). This sequence change replaces cysteine with tyrosine at codon 1326 of the FBN1 protein (p.Cys1326Tyr). The cysteine residue is highly conserved and there is a large physicochemical difference between cysteine and tyrosine.

GeneDx
Classification: Likely pathogenic. Last evaluated: 2016-03-28. Review status: criteria provided, single submitter. Criteria: GeneDx Variant Classification (06012015). Collection method: clinical testing. Allele origin: germline. Affected: yes.
Comment: The C1326Y variant has not been published as a pathogenic variant or been reported as a benign variant to our knowledge. This variant was not observed in approximately 6,500 individuals of European and African American ancestry in the NHLBI Exome Sequencing Project, indicating it is not a common benign variant in these populations. The C1326Y variant is conserved across species, and is a non-conservative amino acid substitution, which is likely to impact secondary protein structure as these residues differ in polarity, charge, size and/or other properties. Consequently, in silico analysis predicts this variant is probably damaging to the protein structure/function. Furthermore, the C1326Y variant affects a Cysteine residue within a calcium-binding EGF-like domain of the FBN1 gene, which may affect disulfide bonding and is predicted to alter the structure and function of the protein. Cysteine substitutions in the calcium-binding EGF-like domains represent the majority of pathogenic missense changes associated with Marfan syndrome (Collod-Beroud et al., 2003). In addition, one missense variant in the same residue (C1326R) has been reported in the Human Gene Mutation Database in association with Marfan syndrome (Stenson et al., 2014), supporting the functional importance of this residue.Therefore, this variant is likely pathogenic

Center for Medical Genetics Ghent, University of Ghent
Classification: Likely pathogenic for Marfan syndrome. Last evaluated: 2017-11-07. Review status: no assertion criteria provided. Collection method: clinical testing. Allele origin: germline. Affected: yes. Not counted in ClinVar's aggregate classification.

Literature cited by the submitters: PubMed 10486319 (cited by Labcorp Genetics (formerly Invitae), Labcorp); PubMed 29357934 (cited by Labcorp Genetics (formerly Invitae), Labcorp); PubMed 16905551 (cited by Labcorp Genetics (formerly Invitae), Labcorp); PubMed 19349279 (cited by Labcorp Genetics (formerly Invitae), Labcorp); PubMed 16571647 (cited by Labcorp Genetics (formerly Invitae), Labcorp); PubMed 17701892 (cited by Labcorp Genetics (formerly Invitae), Labcorp).